The following is an entry in ClinVar:

NM_000179.3(MSH6):c.3528_3535del (p.Arg1176fs)

Gene: MSH6 (mutS homolog 6; plus strand). Cytogenetic location: 2p16.3.
Variant type: Deletion.
Coding change: c.3528_3535del on transcript NM_000179.3 (MANE Select); coding-DNA positions 3528 to 3535, 8 bases deleted (ACTTGGTG; older notation c.3528_3535delACTTGGTG).
Protein change: p.Arg1176fs; shifts the reading frame from arginine 1176.
Molecular consequence: frameshift variant.
Genome position (GRCh38, 1-based): chr2:47,804,999-47,805,006, ACTTGGTG deleted; deleting any 8 consecutive bases within chr2:47,804,998-47,805,006 gives the same sequence; the c. name uses the placement nearest the transcript's 3' end. VCF-style (leftmost placement, unchanged base first): chr2-47804997-AGACTTGGT-A. GRCh37 (hg19) VCF-style: chr2-48032136-AGACTTGGT-A.
Other names: c.3231_3238delACTTGGTG, p.Arg1077Serfs (NM_001406797.1, NM_001406801.1, NM_001406805.1 and 10 more transcripts); c.3354_3361delACTTGGTG, p.Arg1118Serfs (NM_001406798.1); c.3528_3535delACTTGGTG, p.Arg1176Serfs (NM_001406800.1, NM_001406796.1, NM_001406808.1 and 1 more transcripts); c.3003_3010delACTTGGTG, p.Arg1001Serfs (NM_001406799.1, NM_001406806.1, NM_001406807.1); c.3450_3457delACTTGGTG, p.Arg1150Serfs (NM_001406804.1); c.3624_3631delACTTGGTG, p.Arg1208Serfs (NM_001406802.1, NM_001406795.1); c.2664_2671delACTTGGTG, p.Arg888Serfs (NM_001406803.1); c.3138_3145del, p.Arg1046fs (NM_001281492.2); and 8 more; short protein forms R874fs, R1046fs, R1176fs.
Identifiers: ClinVar variation 1732316 (VCV001732316.2), dbSNP rs2530805571, ClinGen allele CA2580067191.

ClinVar aggregate classification (germline): Pathogenic (1 of 4 stars; one submission).

Conditions:
Hereditary cancer-predisposing syndrome. Also called: Neoplastic Syndromes, Hereditary; Tumor predisposition; Hereditary Cancer Syndrome; Hereditary neoplastic syndrome. Identifiers: Orphanet 140162, MedGen C0027672, MeSH D009386, MONDO:0015356.

Submission:

Ambry Genetics
Classification: Pathogenic for Hereditary cancer-predisposing syndrome. Last evaluated: 2021-02-11. Review status: criteria provided, single submitter. Criteria: Ambry Variant Classification Scheme 2023. Collection method: clinical testing. Allele origin: germline.
Comment: The c.3528_3535delACTTGGTG pathogenic mutation, located in coding exon 6 of the MSH6 gene, results from a deletion of 8 nucleotides at nucleotide positions 3528 to 3535, causing a translational frameshift with a predicted alternate stop codon (p.R1176Sfs*9). This alteration is expected to result in loss of function by premature protein truncation or nonsense-mediated mRNA decay. As such, this alteration is interpreted as a disease-causing mutation.